The following is an entry in ClinVar:

NM_197968.4(ZMYM2):c.2528_2529del (p.Lys843fs)

Gene: ZMYM2 (zinc finger MYM-type containing 2; plus strand). Cytogenetic location: 13q12.11.
Variant type: Deletion.
Coding change: c.2528_2529del on transcript NM_197968.4 (MANE Select); coding-DNA positions 2528 to 2529, 2 bases deleted (AA; older notation c.2528_2529delAA).
Protein change: p.Lys843fs; shifts the reading frame from lysine 843.
Molecular consequence: frameshift variant. On other transcripts: non-coding transcript variant (1).
Genome position (GRCh38, 1-based): chr13:20,058,609-20,058,610, AA deleted; deleting any 2 consecutive bases within chr13:20,058,608-20,058,610 gives the same sequence; the c. name uses the placement nearest the transcript's 3' end. VCF-style (leftmost placement, unchanged base first): chr13-20058607-CAA-C. GRCh37 (hg19) VCF-style: chr13-20632747-CAA-C.
Other names: c.2528_2529del (NM_003453.4, NM_003453.5); c.2528_2529del, p.Lys843fs (NM_001190964.4, NM_001190965.4, NM_001353157.2 and 5 more transcripts); c.2333_2334del, p.Lys778fs (NM_001353161.3); c.2267_2268del, p.Lys756fs (NM_001353163.2); c.2528_2529delAA (NM_197968.3); short protein forms K756fs, K778fs, K843fs.
Identifiers: ClinVar variation 1343142 (VCV001343142.8), dbSNP rs2140727029, ClinGen allele CA2573053784.

ClinVar aggregate classification (germline): Conflicting classifications of pathogenicity. Review status: criteria provided, conflicting classifications (1 of 4 stars). 6 submissions from 6 submitters: Pathogenic (2); Likely pathogenic (2); Uncertain significance (1). 1 of the submissions does not count toward it. Last evaluated 2026-06-28.

Conditions:
ZMYM2-related disorder. Also called: ZMYM2-related condition.
Neurodevelopmental-craniofacial syndrome with variable renal and cardiac abnormalities. Identifiers: MedGen C5561984, MONDO:0859190, OMIM 619522.

Submissions (6):

GeneDx
Classification: Pathogenic. Last evaluated: 2026-06-28. Review status: criteria provided, single submitter. Criteria: GeneDx Variant Classification Process June 2021. Collection method: clinical testing. Allele origin: germline.
Comment: Frameshift variant predicted to result in protein truncation or nonsense mediated decay in a gene for which loss of function is a known mechanism of disease; Not observed at significant frequency in large population cohorts (gnomAD); Has not been previously published as pathogenic or benign to our knowledge

Fulgent Genetics
Classification: Likely pathogenic for Neurodevelopmental-craniofacial syndrome with variable renal and cardiac abnormalities. Last evaluated: 2024-02-24. Review status: criteria provided, single submitter. Criteria: ACMG Guidelines, 2015. Collection method: clinical testing. Allele origin: germline.

Genetics Laboratory, UDIAT-Centre Diagnòstic, Hospital Universitari Parc Tauli
Classification: Pathogenic for neurodevelopmental-craniofacial syndrome with variable renal and cardiac abnormalities. Last evaluated: 2023-02-06. Review status: criteria provided, single submitter. Criteria: ACMG Guidelines, 2015. Collection method: clinical testing. Allele origin: unknown. Inheritance: Autosomal dominant inheritance. Affected: yes.
Comment: PVS1_very strong;PM2_supporting;PM6_moderate

Department of Genetics, Rouen University Hospital, Normandy Center for Genomic and Personalized Medicine
Classification: Likely pathogenic for Neurodevelopmental-craniofacial syndrome with variable renal and cardiac abnormalities. Last evaluated: 2021-12-17. Review status: criteria provided, single submitter. Criteria: ACMG Guidelines, 2015. Collection method: clinical testing. Allele origin: maternal. Affected: yes.

Blueprint Genetics
Classification: Uncertain significance. Last evaluated: 2021-02-09. Review status: criteria provided, single submitter. Criteria: ACMG Guidelines, 2015. Collection method: clinical testing. Allele origin: germline.

PreventionGenetics, part of Exact Sciences
Classification: Likely pathogenic for ZMYM2-related condition. Last evaluated: 2024-01-29. Review status: no assertion criteria provided. Collection method: clinical testing. Allele origin: germline. Not counted in ClinVar's aggregate classification.
Comment: The ZMYM2 c.2528_2529delAA variant is predicted to result in a frameshift and premature protein termination (p.Lys843Argfs*21). To our knowledge, this variant has not been reported in the literature, or a large population database, indicating this variant is rare. Frameshift variants in ZMYM2 are expected to be pathogenic. This variant is interpreted as likely pathogenic.